The following is an entry in ClinVar:

NM_000384.3(APOB):c.11890T>C (p.Tyr3964His)

Gene: APOB (apolipoprotein B; minus strand). Cytogenetic location: 2p24.1.
Variant type: single nucleotide variant.
Coding change: c.11890T>C on transcript NM_000384.3 (MANE Select); coding-DNA position 11890, T replaced by C.
Protein change: p.Tyr3964His; replaces tyrosine 3964 with histidine.
Molecular consequence: missense variant.
Genome position (GRCh38, 1-based): chr2:21,004,574, A>G on the plus strand (T>C on the coding strand, the complement: APOB is on the minus strand). VCF-style: chr2-21004574-A-G. GRCh37 (hg19) VCF-style: chr2-21227446-A-G.
Other names: short protein forms Y3964H.
Identifiers: ClinVar variation 5009850 (VCV005009850.1).

ClinVar aggregate classification (germline): Uncertain significance (1 of 4 stars; one submission).

gnomAD v4.1: 7 of 1,613,750 alleles (0.00043%); highest among the groups gnomAD compares: African/African-American, 0.0013%; no homozygotes.

Submission:

GeneDx
Classification: Uncertain significance. Last evaluated: 2026-02-19. Review status: criteria provided, single submitter. Criteria: GeneDx Variant Classification Process June 2021. Collection method: clinical testing. Allele origin: germline.
Comment: Not observed at significant frequency in large population cohorts (gnomAD); In silico analysis suggests that this missense variant does not alter protein structure/function; Has not been previously published as pathogenic or benign to our knowledge